The following is an entry in ClinVar:

NM_000138.5(FBN1):c.2369G>A (p.Cys790Tyr)

Gene: FBN1 (fibrillin 1; minus strand). Cytogenetic location: 15q21.1.
Variant type: single nucleotide variant.
Coding change: c.2369G>A on transcript NM_000138.5 (MANE Select); coding-DNA position 2369, G replaced by A.
Protein change: p.Cys790Tyr; replaces cysteine 790 with tyrosine.
Molecular consequence: missense variant.
Genome position (GRCh38, 1-based): chr15:48,496,150, C>T on the plus strand (G>A on the coding strand, the complement: FBN1 is on the minus strand). VCF-style: chr15-48496150-C-T. GRCh37 (hg19) VCF-style: chr15-48788347-C-T.
Other names: short protein forms C790Y.
Identifiers: ClinVar variation 549076 (VCV000549076.31), dbSNP rs193922188, ClinGen allele CA392335395.

ClinVar aggregate classification (germline): Pathogenic/Likely pathogenic. Review status: criteria provided, multiple submitters, no conflicts (2 of 4 stars). 5 submissions from 5 submitters: Pathogenic (3); Likely pathogenic (1). 1 of the submissions does not count toward it. Last evaluated 2026-02-01.

Conditions:
Familial thoracic aortic aneurysm and aortic dissection (TAAD). Also called: Thoracic aortic aneurysms and dissections. Identifiers: Orphanet 91387, MedGen C4707243, MONDO:0019625.
Marfan syndrome (MFS). Also called: Marfan syndrome type 1; Marfan syndrome, classic; Marfan's syndrome; FBN1-Related Marfan Syndrome; MARFAN SYNDROME, TYPE I. Identifiers: Orphanet 284963, Orphanet 558, MedGen C0024796, MONDO:0007947, OMIM 154700.

Allele frequency attached by ClinVar (database versions not stated): gnomAD exomes below 0.00001; TOPMed below 0.00001.
gnomAD v4.1: 1 of 1,613,778 alleles (0.000062%); highest among the groups gnomAD compares: Non-Finnish European, 0.000085%; no homozygotes.

Submissions (5):

Labcorp Genetics (formerly Invitae), Labcorp
Classification: Pathogenic for Marfan syndrome; Familial thoracic aortic aneurysm and aortic dissection. Last evaluated: 2026-02-01. Review status: criteria provided, single submitter. Criteria: Invitae Variant Classification Sherloc (09022015). Collection method: clinical testing. Allele origin: germline.
Comment: This sequence change replaces cysteine, which is neutral and slightly polar, with tyrosine, which is neutral and polar, at codon 790 of the FBN1 protein (p.Cys790Tyr). This variant is not present in population databases (gnomAD no frequency). This missense change has been observed in individual(s) with clinical features of Marfan syndrome (PMID: 21542060, 21895641, 27906200). ClinVar contains an entry for this variant (Variation ID: 549076). Invitae Evidence Modeling of protein sequence and biophysical properties (such as structural, functional, and spatial information, amino acid conservation, physicochemical variation, residue mobility, and thermodynamic stability) indicates that this missense variant is expected to disrupt FBN1 protein function with a positive predictive value of 95%. This variant affects a cysteine residue in the EGF-like, TGFBP or hybrid motif domains of FBN1. Cysteine residues are believed to be involved in intramolecular disulfide bridges and have been shown to be important for FBN1 protein structure (PMID: 16905551, 19349279). In addition, missense substitutions affecting cysteine residues within these domains are significantly overrepresented among patients with Marfan syndrome (PMID: 16571647, 17701892). This variant disrupts the p.Cys790 amino acid residue in FBN1. Other variant(s) that disrupt this residue have been observed in individuals with FBN1-related conditions (PMID: 19293843, 22876116, 27906200), which suggests that this may be a clinically significant amino acid residue. For these reasons, this variant has been classified as Pathogenic.

GeneDx
Classification: Pathogenic. Last evaluated: 2023-02-23. Review status: criteria provided, single submitter. Criteria: GeneDx Variant Classification Process June 2021. Collection method: clinical testing. Allele origin: germline. Affected: yes.
Comment: Identified in a patient with congenital ectopia lentis in published literature (Chen et al., 2021); Not observed at significant frequency in large population cohorts (gnomAD); Affects a cysteine residue within a calcium-binding EGF-like domain of the FBN1 gene, which may affect disulfide bonding and is predicted to alter the structure and function of the protein; cysteine substitutions in the calcium-binding EGF-like domains represent the majority of pathogenic missense changes associated with FBN1-related disorders (Collod-Beroud et al., 2003); In silico analysis supports that this missense variant has a deleterious effect on protein structure/function; This variant is associated with the following publications: (PMID: 21542060, 31098894, 32123317, 27906200, 21895641, 10486319, 20591885, 34550612, 35058154, 22876116, 19293843)

Centre of Medical Genetics, University of Antwerp
Classification: Pathogenic for Marfan syndrome. Last evaluated: 2021-03-01. Review status: criteria provided, single submitter. Criteria: Submitter's publication. Collection method: research. Allele origin: unknown. Affected: yes.
Comment: PM2, PVS2, PP4

Ambry Genetics
Classification: Likely pathogenic for Familial thoracic aortic aneurysm and aortic dissection. Last evaluated: 2019-09-19. Review status: criteria provided, single submitter. Criteria: Ambry Variant Classification Scheme 2023. Collection method: clinical testing. Allele origin: germline.
Comment: The p.C790Y variant (also known as c.2369G>A), located in coding exon 19 of the FBN1 gene, results from a G to A substitution at nucleotide position 2369. The cysteine at codon 790 is replaced by tyrosine, an amino acid with highly dissimilar properties. This variant was identified in 2 individuals, one meeting Ghent criteria and one described with clinical symptoms of Marfan syndrome (Baetens M et al. Hum. Mutat., 2011 Sep;32:1053-62; Robinson DO et al. Clin. Genet., 2012 Sep;82:223-31). Based on internal structural assessment, this alteration eliminates a structurally critical disulfide in the structurally sensitive EGF/cbEGF domain #08. This amino acid position is highly conserved in available vertebrate species. In addition, this alteration is predicted to be deleterious by in silico analysis. Based on the majority of available evidence to date, this variant is likely to be pathogenic.

Center for Medical Genetics Ghent, University of Ghent
Classification: Pathogenic for Marfan syndrome. Last evaluated: 2017-11-07. Review status: no assertion criteria provided. Collection method: clinical testing. Allele origin: germline. Affected: yes. Not counted in ClinVar's aggregate classification.

Literature cited by the submitters: PubMed 21542060 (cited by Labcorp Genetics (formerly Invitae), Labcorp and Ambry Genetics); PubMed 21895641 (cited by Labcorp Genetics (formerly Invitae), Labcorp and Ambry Genetics); PubMed 27906200 (cited by Labcorp Genetics (formerly Invitae), Labcorp); PubMed 16905551 (cited by Labcorp Genetics (formerly Invitae), Labcorp); PubMed 19349279 (cited by Labcorp Genetics (formerly Invitae), Labcorp); PubMed 16571647 (cited by Labcorp Genetics (formerly Invitae), Labcorp); PubMed 17701892 (cited by Labcorp Genetics (formerly Invitae), Labcorp); PubMed 19293843 (cited by Labcorp Genetics (formerly Invitae), Labcorp); PubMed 22876116 (cited by Labcorp Genetics (formerly Invitae), Labcorp).